The following is an entry in ClinVar:

NM_001267550.2(TTN):c.90481C>G (p.Pro30161Ala)

Genes: TTN (titin; minus strand), TTN-AS1 (TTN antisense RNA 1; plus strand). Cytogenetic location: 2q31.2.
Variant type: single nucleotide variant.
Coding change: c.90481C>G on transcript NM_001267550.2 (MANE Select); coding-DNA position 90481, C replaced by G.
Protein change: p.Pro30161Ala; replaces proline 30161 with alanine.
Molecular consequence: missense variant.
Genome position (GRCh38, 1-based): chr2:178,552,419, G>C on the plus strand (C>G on the coding strand, the complement: TTN is on the minus strand). VCF-style: chr2-178552419-G-C. GRCh37 (hg19) VCF-style: chr2-179417146-G-C.
Other names: c.85558C>G, p.Pro28520Ala (NM_001256850.1); c.63286C>G, p.Pro21096Ala (NM_003319.4); c.82777C>G, p.Pro27593Ala (NM_133378.4); c.63661C>G, p.Pro21221Ala (NM_133432.3); c.63862C>G, p.Pro21288Ala (NM_133437.4); short protein forms P21096A, P21221A, P21288A, P27593A, P28520A, P30161A.
Identifiers: ClinVar variation 3777504 (VCV003777504.1).
Genomic context (GRCh38, chr2:178,552,419, plus strand): 5'-TGAAGCGAACAAATTCACTTTCTTTCAGTGGCAAGCCATCTTTCAGCCAACTGATGGATG[G>C]TTTGGGTTTTCCCTTATAAGGTAATTCAAGGTGCACATTGTGCCCAATTCTCACAGTGAC-3'
Protein context (NP_001254479.2, residues 30151-30171): LELPYKGKPK[Pro30161Ala]SISWLKDGLP

ClinVar aggregate classification (germline): Uncertain significance (1 of 4 stars; one submission).

Submission:

GeneDx
Classification: Uncertain significance. Last evaluated: 2024-10-08. Review status: criteria provided, single submitter. Criteria: GeneDx Variant Classification Process June 2021. Collection method: clinical testing. Allele origin: germline. Affected: yes.
Comment: Not observed at significant frequency in large population cohorts (gnomAD); Missense variant in a gene in which most reported pathogenic variants are truncating/loss of function; Has not been previously published as pathogenic or benign to our knowledge